The following is an entry in ClinVar:

NM_006393.3(NEBL):c.2020G>A (p.Glu674Lys)

Gene: NEBL (nebulette; minus strand). Cytogenetic location: 10p12.31.
Variant type: single nucleotide variant.
Coding change: c.2020G>A on transcript NM_006393.3 (MANE Select); coding-DNA position 2020, G replaced by A.
Protein change: p.Glu674Lys; replaces glutamic acid 674 with lysine.
Molecular consequence: missense variant. On other transcripts: intron variant (9).
Genome position (GRCh38, 1-based): chr10:20,819,459, C>T on the plus strand (G>A on the coding strand, the complement: NEBL is on the minus strand). VCF-style: chr10-20819459-C-T. GRCh37 (hg19) VCF-style: chr10-21108388-C-T.
Other names: c.250-6519G>A (NM_001377326.1, NM_001377327.1, NM_001377328.1); c.358-6519G>A (NM_213569.2, NM_001173484.2, NM_001377322.1); c.301-6519G>A (NM_001377324.1); c.292-6519G>A (NM_001377325.1); c.310-6519G>A (NM_001377323.1); short protein forms E674K.
Identifiers: ClinVar variation 1784555 (VCV001784555.6), dbSNP rs747479121, ClinGen allele CA5432646.

ClinVar aggregate classification (germline): Uncertain significance. Review status: criteria provided, multiple submitters, no conflicts (2 of 4 stars). 2 submissions from 2 submitters: Uncertain significance (2). Last evaluated 2025-07-31.

Conditions:
Primary dilated cardiomyopathy (DCM). Also called: Dilated Cardiomyopathy. Identifiers: Orphanet 217604, MedGen C0007193, MeSH D002311, MONDO:0005021, HP:0001644. Inheritance: Various modes of inheritance.

Allele frequency attached by ClinVar (database versions not stated): TOPMed 0.00001; ExAC 0.00002.
gnomAD v4.1: 14 of 1,614,130 alleles (0.00087%); highest among the groups gnomAD compares: Admixed American, 0.02%; no homozygotes.

Submissions (2):

Labcorp Genetics (formerly Invitae), Labcorp
Classification: Uncertain significance for Primary dilated cardiomyopathy. Last evaluated: 2025-07-31. Review status: criteria provided, single submitter. Criteria: Invitae Variant Classification Sherloc (09022015). Collection method: clinical testing. Allele origin: germline.
Comment: This sequence change replaces glutamic acid, which is acidic and polar, with lysine, which is basic and polar, at codon 674 of the NEBL protein (p.Glu674Lys). This variant is present in population databases (rs747479121, gnomAD 0.03%). This variant has not been reported in the literature in individuals affected with NEBL-related conditions. ClinVar contains an entry for this variant (Variation ID: 1784555). An algorithm developed to predict the effect of missense changes on protein structure and function (PolyPhen-2) suggests that this variant is likely to be disruptive. In summary, the available evidence is currently insufficient to determine the role of this variant in disease. Therefore, it has been classified as a Variant of Uncertain Significance.

Ambry Genetics
Classification: Uncertain significance. Last evaluated: 2024-11-18. Review status: criteria provided, single submitter. Criteria: Ambry Variant Classification Scheme 2023. Collection method: clinical testing. Allele origin: germline.